The following is an entry in ClinVar:

NM_000091.5(COL4A3):c.1541G>A (p.Gly514Glu)

Genes: COL4A3 (collagen type IV alpha 3 chain; plus strand), MFF-DT (MFF divergent transcript; minus strand). Cytogenetic location: 2q36.3.
Variant type: single nucleotide variant.
Coding change: c.1541G>A on transcript NM_000091.5 (MANE Select); coding-DNA position 1541, G replaced by A.
Protein change: p.Gly514Glu; replaces glycine 514 with glutamic acid.
Molecular consequence: missense variant.
Genome position (GRCh38, 1-based): chr2:227,269,946, G>A. VCF-style: chr2-227269946-G-A. GRCh37 (hg19) VCF-style: chr2-228134662-G-A.
Other names: short protein forms G514E.
Identifiers: ClinVar variation 4531835 (VCV004531835.2).
Genomic context (GRCh38, chr2:227,269,946, plus strand): 5'-AGTTAATAATTCGTTGATTTGCAGGAAGACAAGGCGCAGCTGGCTTGAAAGGAAGCCCAG[G>A]GTCCCCAGGAAATACAGGTCTTCCAGGATTTCCAGTAAGATTTCATGTTTTTAAATCTTT-3'
Protein context (NP_000082.2, residues 504-524): QGAAGLKGSP[Gly514Glu]SPGNTGLPGF

ClinVar aggregate classification (germline): Likely pathogenic. Review status: criteria provided, multiple submitters, no conflicts (2 of 4 stars). 2 submissions from 2 submitters: Likely pathogenic (2). Last evaluated 2025-03-16.

Conditions:
Autosomal dominant Alport syndrome (ATS3A). Also called: Alport syndrome dominant type; Renal failure and sensorineural hearing loss; ALPORT SYNDROME 3A, AUTOSOMAL DOMINANT. Identifiers: Orphanet 63, Orphanet 88918, MedGen C5882663, MONDO:0007086, OMIM 104200.
Alport syndrome. Also called: Hemorrhagic familial nephritis; Hemorrhagic hereditary nephritis; Congenital hereditary hematuria. Identifiers: Orphanet 63, MedGen C1567741, MONDO:0018965.

Submissions (2):

Victorian Clinical Genetics Services, Murdoch Childrens Research Institute
Classification: Likely pathogenic for Alport syndrome. Last evaluated: 2025-03-16. Review status: criteria provided, single submitter. Criteria: ACMG Guidelines, 2015. Collection method: clinical testing. Allele origin: germline. Affected: yes.
Comment: This variant is classified as Likely pathogenic. Evidence in support of pathogenic classification: Variant is absent from gnomAD (v2, v3 and v4); This variant has limited previous evidence of pathogenicity in an unrelated individual(s). It has been reported in an individual with Alport syndrome (PMID: 37097554); Variant is located in the well-established functional Gly-X-Y motif in the collagen triple helical domain (DECIPHER); Missense variant predicted to be damaging by in silico tool(s) or highly conserved with a major amino acid change. Additional information: Variant is predicted to result in a missense amino acid change from glycine to glutamic acid; This variant is heterozygous; This gene is associated with both recessive and dominant Alport syndrome (MONDO:0018965), COL4A3-related; Alternative amino acid change(s) at the same position are present in gnomAD (highest allele count: v4: 1 heterozygote(s), 0 homozygote(s)) ; No published functional evidence has been identified for this variant; Other missense variants comparable to the one identified in this case have conflicting previous evidence for pathogenicity. p.(Gly514Arg) and p.(Gly514Ala) have been classified as likely pathogenic and variants of uncertain significance, respectively, by clinical laboratories (ClinVar). In addition, p.(Gly514Arg) has been reported as a variant of uncertain significance in a cohort of children with persistent isolated microscopic haematuria (PMID: 35759000); Dominant negative and loss of function are known mechanisms of disease in this gene and are associated with Alport syndrome (MONDO:0018965), COL4A3-related. Glycine changes that are part of a G-X-Y repeat in the triple helix of a collagen domain are known to have a dominant negative effect (PMID: 12028435); Inheritance information for this variant is not currently available in this individual.

Clinical Genetics Service, Universitary Hospital 12 de Octubre
Classification: Likely pathogenic for Autosomal dominant Alport syndrome. Review status: criteria provided, single submitter. Criteria: ACMG Guidelines, 2015. Collection method: clinical testing. Allele origin: paternal. Affected: yes.

Literature cited by the submitters: PubMed 12028435 (cited by Victorian Clinical Genetics Services, Murdoch Childrens Research Institute); PubMed 37097554 (cited by Victorian Clinical Genetics Services, Murdoch Childrens Research Institute); PubMed 35759000 (cited by Victorian Clinical Genetics Services, Murdoch Childrens Research Institute).